The following is an entry in ClinVar:

ClinVar aggregate classification (germline): Likely benign (0 of 4 stars; one submission).

Conditions:
MAP4-related disorder. Also called: MAP4-related condition.

Allele frequency attached by ClinVar (database versions not stated): ExAC 0.00002; gnomAD 0.00005.
gnomAD v4.1: 60 of 1,614,188 alleles (0.0037%); highest among the groups gnomAD compares: Middle Eastern, 0.23%; no homozygotes.

Submission:

PreventionGenetics, part of Exact Sciences
Classification: Likely benign for MAP4-related condition. Last evaluated: 2019-08-12. Review status: no assertion criteria provided. Collection method: clinical testing. Allele origin: germline.
Comment: This variant is classified as likely benign based on ACMG/AMP sequence variant interpretation guidelines (Richards et al. 2015 PMID: 25741868, with internal and published modifications).

NM_001385682.1(MAP4):c.60G>A (p.Glu20=)

Gene: MAP4 (microtubule associated protein 4; minus strand). Cytogenetic location: 3p21.31.
Variant type: single nucleotide variant.
Coding change: c.60G>A on transcript NM_001385682.1 (MANE Select); coding-DNA position 60, G replaced by A.
Protein change: p.Glu20=; no amino-acid change (glutamic acid 20 retained).
Molecular consequence: synonymous variant. On other transcripts: intron variant (4).
Genome position (GRCh38, 1-based): chr3:47,998,801, C>T on the plus strand (G>A on the coding strand, the complement: MAP4 is on the minus strand). VCF-style: chr3-47998801-C-T. GRCh37 (hg19) VCF-style: chr3-48040291-C-T.
Other names: c.60G>A, p.Glu20= (NM_001134364.2, NM_001384675.1, NM_001384676.1 and 137 more transcripts); c.-98-20868G>A (NM_001384862.1, NM_001384845.1, NM_001384867.1 and 1 more transcripts).
Identifiers: ClinVar variation 3035813 (VCV003035813.2), dbSNP rs201700598, ClinGen allele CA2371778.